The following is an entry in ClinVar:

ClinVar aggregate classification (germline): Benign/Likely benign. Review status: criteria provided, multiple submitters, no conflicts (2 of 4 stars). 17 submissions from 17 submitters: Benign (11); Likely benign (5). 1 of the submissions does not count toward it. Last evaluated 2026-07-01.

Conditions:
SDHC-related disorder. Also called: SDHC-related condition.
Cowden syndrome (CS). Also called: Cowden's disease; Cowden's syndrome; Cowden disease. Identifiers: Orphanet 201, MedGen C0018553, MONDO:0016063. Disease mechanism: gain of function.
Hereditary pheochromocytoma and paraganglioma. Also called: Hereditary pheochromocytoma-paraganglioma; Hereditary Paraganglioma-Pheochromocytoma Syndromes; Hereditary paragangliomas and pheochromocytomas. Identifiers: Orphanet 29072, MedGen C4274332, MONDO:0017366.
Pheochromocytoma/paraganglioma syndrome 3. Also called: GLOMUS TUMORS, FAMILIAL, 3; SDHC-Related Hereditary Paraganglioma-Pheochromocytoma Syndrome (Paragangliomas 3); Paragangliomas 3; SDHC-Related Hereditary Paraganglioma-Pheochromocytoma Syndrome. Identifiers: Orphanet 29072, MedGen C1854336, MONDO:0011544, OMIM 605373.
Gastrointestinal stromal tumor. Also called: Gastrointestinal stromal tumor, somatic; Gastrointestinal stroma tumor. Identifiers: Orphanet 44890, MedGen C0238198, MeSH D046152, MONDO:0011719, OMIM 606764, HP:0100723.
Hereditary cancer-predisposing syndrome. Also called: Neoplastic Syndromes, Hereditary; Tumor predisposition; Hereditary neoplastic syndrome; Hereditary Cancer Syndrome. Identifiers: Orphanet 140162, MedGen C0027672, MeSH D009386, MONDO:0015356.

Allele frequency attached by ClinVar (database versions not stated): gnomAD exomes 0.00037 and 0.00103; ExAC 0.00133; 1000 Genomes Project 0.00379; gnomAD 0.00414 and 0.00454; TOPMed 0.00441; 1000 Genomes Project 30x 0.00453; ESP Exome Variant Server 0.00561.
gnomAD v4.1: 1,190 of 1,614,176 alleles (0.074%); highest among the groups gnomAD compares: African/African-American, 1.5%; 8 homozygotes.

Submissions (17):

CeGaT Center for Human Genetics Tuebingen
Classification: Likely benign. Last evaluated: 2026-07-01. Review status: criteria provided, single submitter. Criteria: CeGaT Center For Human Genetics Tuebingen Variant Classification Criteria Version 2. Collection method: clinical testing. Allele origin: germline. Affected: yes. Observed: 2 variant alleles.
Comment: SDHC: BP4, BP7, BS1

Labcorp Genetics (formerly Invitae), Labcorp
Classification: Benign for Pheochromocytoma/paraganglioma syndrome 3; Gastrointestinal stromal tumor. Last evaluated: 2026-02-03. Review status: criteria provided, single submitter. Criteria: Invitae Variant Classification Sherloc (09022015). Collection method: clinical testing. Allele origin: germline.

Mayo Clinic Laboratories, Mayo Clinic
Classification: Likely benign. Last evaluated: 2025-08-22. Review status: criteria provided, single submitter. Criteria: ACMG Guidelines, 2015. Collection method: clinical testing. Allele origin: germline. Observed: 2 variant alleles.
Comment: BS1, BP4, BP7

Myriad Genetics, Inc.
Classification: Benign for Pheochromocytoma/paraganglioma syndrome 3. Last evaluated: 2025-03-17. Review status: criteria provided, single submitter. Criteria: Myriad Autosomal Dominant, Autosomal Recessive and X-Linked Classification Criteria (2023). Collection method: clinical testing. Allele origin: unknown.
Comment: This variant is considered benign. This variant is a silent/synonymous amino acid change and it is not expected to impact splicing.

Center for Genomic Medicine, Rigshospitalet, Copenhagen University Hospital
Classification: Benign. Last evaluated: 2025-03-04. Review status: criteria provided, single submitter. Criteria: ACMG Guidelines, 2015. Collection method: clinical testing. Allele origin: germline.

Blueprint Genetics
Classification: Likely benign. Last evaluated: 2024-10-11. Review status: criteria provided, single submitter. Criteria: ACMG Guidelines, 2015. Collection method: clinical testing. Allele origin: germline.

Department of Pathology and Laboratory Medicine, Sinai Health System
Classification: Likely benign for Cowden syndrome; Hereditary pheochromocytoma and paraganglioma. Last evaluated: 2024-01-11. Review status: criteria provided, single submitter. Criteria: ACMG Guidelines, 2015. Collection method: clinical testing. Allele origin: germline. Affected: yes.

KCCC/NGS Laboratory, Kuwait Cancer Control Center
Classification: Benign for Pheochromocytoma/paraganglioma syndrome 3. Last evaluated: 2023-07-07. Review status: criteria provided, single submitter. Criteria: ACMG Guidelines, 2015. Collection method: clinical testing. Allele origin: germline. Affected: yes.

Color Diagnostics, LLC DBA Color Health
Classification: Benign for Hereditary pheochromocytoma and paraganglioma. Last evaluated: 2022-10-03. Review status: criteria provided, single submitter. Criteria: ACMG Guidelines, 2015. Collection method: clinical testing. Allele origin: germline.

Quest Diagnostics Nichols Institute San Juan Capistrano
Classification: Benign. Last evaluated: 2021-09-28. Review status: criteria provided, single submitter. Criteria: Quest Diagnostics criteria. Collection method: clinical testing. Allele origin: unknown.

Genetic Services Laboratory, University of Chicago
Classification: Benign. Last evaluated: 2019-04-25. Review status: criteria provided, single submitter. Criteria: ACMG Guidelines, 2015. Collection method: clinical testing. Allele origin: germline. Affected: no.

ARUP Laboratories, Molecular Genetics and Genomics, ARUP Laboratories
Classification: Benign. Last evaluated: 2018-02-13. Review status: criteria provided, single submitter. Criteria: ARUP Molecular Germline Variant Investigation Process. Collection method: clinical testing. Allele origin: germline.

GeneDx
Classification: Likely benign. Last evaluated: 2017-11-30. Review status: criteria provided, single submitter. Criteria: GeneDx Variant Classification (06012015). Collection method: clinical testing. Allele origin: germline. Affected: yes.
Comment: This variant is considered likely benign or benign based on one or more of the following criteria: it is a conservative change, it occurs at a poorly conserved position in the protein, it is predicted to be benign by multiple in silico algorithms, and/or has population frequency not consistent with disease.

Women's Health and Genetics/Laboratory Corporation of America, LabCorp
Classification: Benign. Last evaluated: 2016-05-25. Review status: criteria provided, single submitter. Criteria: LabCorp Variant Classification Summary - May 2015. Collection method: clinical testing. Allele origin: germline.
Comment: Variant summary: The SDHC c.354T>C (p.Phe118Phe) variant causes a synonymous change involving a non-conserved nucleotide with 5/5 splice prediction tools predicting no significant effect on splicing and the creation of two ESE binding sites, however, these predictions have yet to be functionally assessed. The variant of interest was observed in the large, broad control population, ExAC, with an allele frequency of 162/121412 (1 homozygote, 1/749, frequency: 0.001334), predominantly observed in the African cohort, 159/10406 (1 homozygote, 1/65, frequency: 0.01528), which significantly exceeds the estimated maximal expected allele frequency for a pathogenic SDHC variant of 1/5000000 (0.0000002). Therefore, suggesting this variant is a common polymorphism found in population(s) of African origin. In addition, reputable clinical laboratories cite the variant as "benign." Therefore, the variant of interest is classified as Benign.

Ambry Genetics
Classification: Benign for Hereditary cancer-predisposing syndrome. Last evaluated: 2015-11-20. Review status: criteria provided, single submitter. Criteria: Ambry Variant Classification Scheme 2023. Collection method: clinical testing. Allele origin: germline.

Laboratory for Molecular Medicine, Mass General Brigham Personalized Medicine
Classification: Benign. Last evaluated: 2013-11-05. Review status: criteria provided, single submitter. Criteria: LMM Criteria. Collection method: clinical testing. Allele origin: germline. Observed: 1 variant allele.

PreventionGenetics, part of Exact Sciences
Classification: Benign for SDHC-related condition. Last evaluated: 2019-06-12. Review status: no assertion criteria provided. Collection method: clinical testing. Allele origin: germline. Not counted in ClinVar's aggregate classification.
Comment: This variant is classified as benign based on ACMG/AMP sequence variant interpretation guidelines (Richards et al. 2015 PMID: 25741868, with internal and published modifications).

NM_003001.5(SDHC):c.354T>C (p.Phe118=)

Gene: SDHC (succinate dehydrogenase complex subunit C; plus strand). Cytogenetic location: 1q23.3.
Variant type: single nucleotide variant.
Coding change: c.354T>C on transcript NM_003001.5 (MANE Select); coding-DNA position 354, T replaced by C.
Protein change: p.Phe118=; no amino-acid change (phenylalanine 118 retained).
Molecular consequence: synonymous variant. On other transcripts: non-coding transcript variant (1), intron variant (3).
Genome position (GRCh38, 1-based): chr1:161,356,789, T>C. VCF-style: chr1-161356789-T-C. GRCh37 (hg19) VCF-style: chr1-161326579-T-C.
Other names: p.Phe118=; c.252T>C, p.Phe84= (NM_001035512.3); c.195T>C, p.Phe65= (NM_001035513.3); c.474T>C, p.Phe158= (NM_001407115.1); c.297T>C, p.Phe99= (NM_001407116.1); c.291T>C, p.Phe97= (NM_001407117.1); c.246T>C, p.Phe82= (NM_001407118.1); c.243T>C, p.Phe81= (NM_001407119.1, NM_001407120.1); and 3 more.
Identifiers: ClinVar variation 165182 (VCV000165182.65), dbSNP rs61733156, ClinGen allele CA011442.